The following is an entry in ClinVar:

NM_017617.5(NOTCH1):c.6173ACA[1] (p.Asn2059del)

Genes: NOTCH1 (notch receptor 1; minus strand), LOC126860794 (BRD4-independent group 4 enhancer GRCh37_chr9:139392592-139393791; plus strand). Cytogenetic location: 9q34.3.
Variant type: Microsatellite.
Coding change: c.6173ACA[1] on transcript NM_017617.5 (MANE Select); one copy of the 3-base unit ACA starting at c.6173; the reference has two copies in a row; one copy, 3 bases deleted.
Protein change: p.Asn2059del; deletes asparagine 2059.
Molecular consequence: inframe deletion.
Genome position (GRCh38, 1-based): chr9:136,498,901-136,498,903, TGT deleted on the plus strand (ACA on the coding strand, the reverse complement: NOTCH1 is on the minus strand); deleting any 3 consecutive bases within chr9:136,498,901-136,498,907 gives the same sequence; the position shown is the placement nearest the transcript's 3' end. VCF-style (leftmost placement, unchanged base first): chr9-136498900-CTGT-C. GRCh37 (hg19) VCF-style: chr9-139393352-CTGT-C.
Other names: short protein forms N2059del.
Identifiers: ClinVar variation 372952 (VCV000372952.1), dbSNP rs1057518096, ClinGen allele CA16042771.

ClinVar aggregate classification (germline): Likely pathogenic (1 of 4 stars; one submission).

Submission:

GeneDx
Classification: Likely pathogenic. Last evaluated: 2016-06-11. Review status: criteria provided, single submitter. Criteria: GeneDx Variant Classification (06012015). Collection method: clinical testing. Allele origin: germline. Affected: yes.
Comment: The c.6176_6178delACA variant in the NOTCH1 gene has not been reported previously as a pathogenic variant, nor as a benign variant, to our knowledge. The c.6176_6178delACA variant, denoted p.N2059del, causes in an inframe deletion of one amnio acid. The c.6176_6178delACA variant was not observed in approximately 6300 individuals of European and African American ancestry in the NHLBI Exome Sequencing Project, indicating it is not a common benign variant in these populations. This deletion occurs at a position that is conserved across species. This variant is a strong candidate for a pathogenic variant, however the possibility it may be a rare benign variant cannot be excluded.